The following is an entry in ClinVar:

ClinVar aggregate classification (germline): Uncertain significance. Review status: criteria provided, multiple submitters, no conflicts (2 of 4 stars). 2 submissions from 2 submitters: Uncertain significance (2). Last evaluated 2022-07-05.

Allele frequency attached by ClinVar (database versions not stated): gnomAD 0.00001; TOPMed 0.00001; gnomAD exomes 0.00001.
gnomAD v4.1: 13 of 1,551,530 alleles (0.00084%); highest among the groups gnomAD compares: East Asian, 0.0098%; no homozygotes.

Submissions (2):

Labcorp Genetics (formerly Invitae), Labcorp
Classification: Uncertain significance. Last evaluated: 2022-07-05. Review status: criteria provided, single submitter. Criteria: Invitae Variant Classification Sherloc (09022015). Collection method: clinical testing. Allele origin: germline.
Comment: This sequence change replaces arginine, which is basic and polar, with histidine, which is basic and polar, at codon 671 of the UNC80 protein (p.Arg671His). This variant is present in population databases (no rsID available, gnomAD 0.008%). This variant has not been reported in the literature in individuals affected with UNC80-related conditions. ClinVar contains an entry for this variant (Variation ID: 597537). Algorithms developed to predict the effect of missense changes on protein structure and function are either unavailable or do not agree on the potential impact of this missense change (SIFT: "Not Available"; PolyPhen-2: "Probably Damaging"; Align-GVGD: "Not Available"). In summary, the available evidence is currently insufficient to determine the role of this variant in disease. Therefore, it has been classified as a Variant of Uncertain Significance.

Eurofins Ntd Llc (ga)
Classification: Uncertain significance. Last evaluated: 2018-06-05. Review status: criteria provided, single submitter. Criteria: EGL ClinVar v180209 classification definitions. Collection method: clinical testing. Allele origin: germline. Observed: 1 variant allele, 1 heterozygote.

NM_001371986.1(UNC80):c.2012G>A (p.Arg671His)

Gene: UNC80 (unc-80 homolog, NALCN channel complex subunit; plus strand). Cytogenetic location: 2q34.
Variant type: single nucleotide variant.
Coding change: c.2012G>A on transcript NM_001371986.1 (MANE Select); coding-DNA position 2012, G replaced by A.
Protein change: p.Arg671His; replaces arginine 671 with histidine.
Molecular consequence: missense variant.
Genome position (GRCh38, 1-based): chr2:209,820,360, G>A. VCF-style: chr2-209820360-G-A. GRCh37 (hg19) VCF-style: chr2-210685084-G-A.
Other names: c.2012G>A, p.Arg671His (NM_032504.2, NM_182587.4); short protein forms R671H.
Identifiers: ClinVar variation 597537 (VCV000597537.9), dbSNP rs990004372, ClinGen allele CA64669228.